The following is an entry in ClinVar:

ClinVar aggregate classification (germline): Pathogenic (1 of 4 stars; one submission).

Submission:

ISCA Site 6
Classification: Pathogenic. Last evaluated: 2011-08-12. Review status: criteria provided, single submitter. Criteria: Kaminsky et al. (Genet Med. 2011). Collection method: clinical testing. Allele origin: de novo. Affected: yes. Observed: 1 variant allele.
Comment: Copy number variation identified through the course of routine clinical cytogenomic testing in postnatal populations. Clinical assertions have been curated as described in Kaminsky et al. 2011.

GRCh38/hg38 17q21.31(chr17:45637714-46118962)x1

Genes: CRHR1 (corticotropin releasing hormone receptor 1), KANSL1 (KAT8 regulatory NSL complex subunit 1), LINC02210 (long intergenic non-protein coding RNA 2210), LINC02210-CRHR1 (LINC02210-CRHR1 readthrough), MAPT (microtubule associated protein tau) and 6 more. Cytogenetic location: 17q21.31.
Variant type: copy number loss.
Change: copy number 1 (one copy instead of two) of chr17:45,637,714-46,118,962 (481.2 kb, GRCh38 coordinates, 1-based), cytogenetic band 17q21.31.
Identifiers: ClinVar variation 57539 (VCV000057539.2).